The following is an entry in ClinVar:

ClinVar aggregate classification (germline): Conflicting classifications of pathogenicity. Review status: criteria provided, conflicting classifications (1 of 4 stars). 4 submissions from 4 submitters: Uncertain significance (3); Likely benign (1). Last evaluated 2025-12-22.

Conditions:
Hereditary breast ovarian cancer syndrome. Also called: BRCA1- and BRCA2-Associated Hereditary Breast and Ovarian Cancer; Hereditary breast and ovarian cancer; Hereditary breast and ovarian cancer syndrome; Breast and ovarian cancer; Hereditary breast and/or ovarian cancer syndrome; Hereditary breast and ovarian cancer syndrome (HBOC). Identifiers: Orphanet 145, MedGen C0677776, MeSH D061325, MONDO:0003582. Disease mechanism: loss of function.
Hereditary cancer-predisposing syndrome. Also called: Tumor predisposition; Hereditary neoplastic syndrome; Neoplastic Syndromes, Hereditary; Hereditary Cancer Syndrome. Identifiers: Orphanet 140162, MedGen C0027672, MeSH D009386, MONDO:0015356.

Submissions (4):

Labcorp Genetics (formerly Invitae), Labcorp
Classification: Uncertain significance for Hereditary breast ovarian cancer syndrome. Last evaluated: 2025-12-22. Review status: criteria provided, single submitter. Criteria: Invitae Variant Classification Sherloc (09022015). Collection method: clinical testing. Allele origin: germline.
Comment: This sequence change replaces lysine, which is basic and polar, with arginine, which is basic and polar, at codon 443 of the BRCA1 protein (p.Lys443Arg). This variant is not present in population databases (gnomAD no frequency). This variant has not been reported in the literature in individuals affected with BRCA1-related conditions. ClinVar contains an entry for this variant (Variation ID: 1010509). Invitae Evidence Modeling of protein sequence and biophysical properties (such as structural, functional, and spatial information, amino acid conservation, physicochemical variation, residue mobility, and thermodynamic stability) indicates that this missense variant is not expected to disrupt BRCA1 protein function with a negative predictive value of 80%. In summary, the available evidence is currently insufficient to determine the role of this variant in disease. Therefore, it has been classified as a Variant of Uncertain Significance.

GeneDx
Classification: Uncertain significance. Last evaluated: 2023-11-06. Review status: criteria provided, single submitter. Criteria: GeneDx Variant Classification Process June 2021. Collection method: clinical testing. Allele origin: germline. Affected: yes.
Comment: Not observed at significant frequency in large population cohorts (gnomAD); In silico analysis supports that this missense variant does not alter protein structure/function; Has not been previously published as pathogenic or benign to our knowledge; Also known as 1447A>G

University of Washington Department of Laboratory Medicine, University of Washington
Classification: Likely benign for Hereditary cancer-predisposing syndrome. Last evaluated: 2023-03-23. Review status: criteria provided, single submitter. Criteria: Dines et al. (Genet Med. 2020). Collection method: curation. Allele origin: germline.
Comment: Missense variant in a coldspot region where missense variants are very unlikely to be pathogenic (PMID:31911673).

BRCA1 coldspot (exon 11 using historical exon numbering). Reclassification based on statistical prior probability

Ambry Genetics
Classification: Uncertain significance for Hereditary cancer-predisposing syndrome. Last evaluated: 2022-12-05. Review status: criteria provided, single submitter. Criteria: Ambry Variant Classification Scheme 2023. Collection method: clinical testing. Allele origin: germline.
Comment: The p.K443R variant (also known as c.1328A>G), located in coding exon 9 of the BRCA1 gene, results from an A to G substitution at nucleotide position 1328. The lysine at codon 443 is replaced by arginine, an amino acid with highly similar properties. This amino acid position is poorly conserved in available vertebrate species. In addition, the in silico prediction for this alteration is inconclusive. Since supporting evidence is limited at this time, the clinical significance of this alteration remains unclear.

NM_007294.4(BRCA1):c.1328A>G (p.Lys443Arg)

Gene: BRCA1 (BRCA1 DNA repair associated; minus strand). Cytogenetic location: 17q21.31.
Variant type: single nucleotide variant.
Coding change: c.1328A>G on transcript NM_007294.4 (MANE Select); coding-DNA position 1328, A replaced by G.
Protein change: p.Lys443Arg; replaces lysine 443 with arginine.
Molecular consequence: missense variant. On other transcripts: intron variant (137).
Genome position (GRCh38, 1-based): chr17:43,094,203, T>C on the plus strand (A>G on the coding strand, the complement: BRCA1 is on the minus strand). VCF-style: chr17-43094203-T-C. GRCh37 (hg19) VCF-style: chr17-41246220-T-C.
Other names: c.1115A>G, p.Lys372Arg (NM_001407897.1, NM_001407898.1, NM_001407899.1 and 9 more transcripts); c.1118A>G, p.Lys373Arg (NM_001407900.1, NM_001407902.1, NM_001407904.1 and 13 more transcripts); c.1205A>G, p.Lys402Arg (NM_001407919.1, NM_001407937.1, NM_001407938.1 and 19 more transcripts); c.1064A>G, p.Lys355Arg (NM_001407920.1, NM_001407921.1, NM_001407922.1 and 9 more transcripts); c.1061A>G, p.Lys354Arg (NM_001407930.1, NM_001407931.1, NM_001407932.1 and 2 more transcripts); c.1202A>G, p.Lys401Arg (NM_001407940.1, NM_001407941.1, NM_001407649.1 and 11 more transcripts); c.1187A>G, p.Lys396Arg (NM_001407942.1, NM_001407944.1, NM_001407945.1 and 29 more transcripts); c.1184A>G, p.Lys395Arg (NM_001407943.1, NM_001407964.1, NM_001407740.1 and 20 more transcripts); and 40 more; short protein forms K396R, K443R, K332R, K402R, K416R, K417R, K442R, K275R.
Identifiers: ClinVar variation 1010509 (VCV001010509.17), dbSNP rs2053956439, ClinGen allele CA10599396.